The following is an entry in ClinVar:

ClinVar aggregate classification (germline): Uncertain significance (1 of 4 stars; one submission).

Submission:

Labcorp Genetics (formerly Invitae), Labcorp
Classification: Uncertain significance. Last evaluated: 2025-12-10. Review status: criteria provided, single submitter. Criteria: Invitae Variant Classification Sherloc (09022015). Collection method: clinical testing. Allele origin: germline.
Comment: This sequence change replaces glutamine, which is neutral and polar, with glutamic acid, which is acidic and polar, at codon 3359 of the VCAN protein (p.Gln3359Glu). This variant is not present in population databases (gnomAD no frequency). This variant has not been reported in the literature in individuals affected with VCAN-related conditions. An algorithm developed to predict the effect of missense changes on protein structure and function (PolyPhen-2) suggests that this variant is likely to be tolerated. In summary, the available evidence is currently insufficient to determine the role of this variant in disease. Therefore, it has been classified as a Variant of Uncertain Significance.

NM_004385.5(VCAN):c.10075C>G (p.Gln3359Glu)

Gene: VCAN (versican; plus strand). Cytogenetic location: 5q14.3.
Variant type: single nucleotide variant.
Coding change: c.10075C>G on transcript NM_004385.5 (MANE Select); coding-DNA position 10075, C replaced by G.
Protein change: p.Gln3359Glu; replaces glutamine 3359 with glutamic acid.
Molecular consequence: missense variant.
Genome position (GRCh38, 1-based): chr5:83,580,318, C>G. VCF-style: chr5-83580318-C-G. GRCh37 (hg19) VCF-style: chr5-82876137-C-G.
Other names: c.1852C>G, p.Gln618Glu (NM_001126336.3); c.7114C>G, p.Gln2372Glu (NM_001164097.2); c.4813C>G, p.Gln1605Glu (NM_001164098.2); short protein forms Q1605E, Q3359E, Q618E, Q2372E.
Identifiers: ClinVar variation 4730102 (VCV004730102.1).